The following is an entry in ClinVar:

NM_000548.5(TSC2):c.3815-3C>T

Gene: TSC2 (TSC complex subunit 2; plus strand). Cytogenetic location: 16p13.3.
Variant type: single nucleotide variant.
Coding change: c.3815-3C>T on transcript NM_000548.5 (MANE Select); 3 bases into the intron before coding-DNA position 3815, C replaced by T.
Molecular consequence: intron variant.
Genome position (GRCh38, 1-based): chr16:2,082,433, C>T. VCF-style: chr16-2082433-C-T. GRCh37 (hg19) VCF-style: chr16-2132434-C-T.
Other names: c.3814+635C>T (NM_001114382.3); c.3686-3C>T (NM_021055.3, NM_001370405.1); c.3685+635C>T (NM_001363528.2); c.3683-3C>T (NM_001370404.1); c.3682+635C>T (NM_001077183.3); c.3574+635C>T (NM_001318827.2); c.3083-3C>T (NM_001318831.2); c.3538+635C>T (NM_001318829.2); and 1 more.
Identifiers: ClinVar variation 406073 (VCV000406073.21), dbSNP rs770054036, ClinGen allele CA048741.

ClinVar aggregate classification (germline): Conflicting classifications of pathogenicity. Review status: criteria provided, conflicting classifications (1 of 4 stars). 6 submissions from 6 submitters: Uncertain significance (2); Likely benign (4). Last evaluated 2025-02-04.

Conditions:
Hereditary cancer-predisposing syndrome. Also called: Tumor predisposition; Neoplastic Syndromes, Hereditary; Hereditary Cancer Syndrome; Hereditary neoplastic syndrome. Identifiers: Orphanet 140162, MedGen C0027672, MeSH D009386, MONDO:0015356.
Tuberous sclerosis syndrome (TSC). Also called: Tuberous Sclerosis Complex; Tuberous sclerosis. Identifiers: Orphanet 805, MedGen C0041341, MONDO:0001734.
Tuberous sclerosis 2 (TSC2). Identifiers: Orphanet 805, MedGen C1860707, MONDO:0013199, OMIM 613254.

Allele frequency attached by ClinVar (database versions not stated): TOPMed 0.00001; ExAC 0.00002; gnomAD exomes 0.00002.
gnomAD v4.1: 20 of 1,612,454 alleles (0.0012%); highest among the groups gnomAD compares: Admixed American, 0.0067%; no homozygotes.

Submissions (6):

Labcorp Genetics (formerly Invitae), Labcorp
Classification: Likely benign for Tuberous sclerosis 2. Last evaluated: 2025-02-04. Review status: criteria provided, single submitter. Criteria: Invitae Variant Classification Sherloc (09022015). Collection method: clinical testing. Allele origin: germline.

Quest Diagnostics Nichols Institute San Juan Capistrano
Classification: Uncertain significance. Last evaluated: 2024-12-27. Review status: criteria provided, single submitter. Criteria: Quest Diagnostics criteria. Collection method: clinical testing. Allele origin: unknown.

Color Diagnostics, LLC DBA Color Health
Classification: Likely benign for Tuberous sclerosis syndrome. Last evaluated: 2022-12-07. Review status: criteria provided, single submitter. Criteria: ACMG Guidelines, 2015. Collection method: clinical testing. Allele origin: germline.

Ambry Genetics
Classification: Likely benign for Hereditary cancer-predisposing syndrome. Last evaluated: 2022-06-27. Review status: criteria provided, single submitter. Criteria: Ambry Variant Classification Scheme 2023. Collection method: clinical testing. Allele origin: germline.

Genome-Nilou Lab
Classification: Likely benign for Tuberous sclerosis 2. Last evaluated: 2021-11-07. Review status: criteria provided, single submitter. Criteria: ACMG Guidelines, 2015. Collection method: clinical testing. Allele origin: germline. Affected: no.

GeneDx
Classification: Uncertain significance. Last evaluated: 2018-10-05. Review status: criteria provided, single submitter. Criteria: GeneDx Variant Classification (06012015). Collection method: clinical testing. Allele origin: germline. Affected: yes.
Comment: This variant is denoted TSC2 c.3815-3C>T or IVS31-3C>T and consists of a C>T nucleotide substitution at the -3 position of intron 31 of the TSC2 gene. This variant has not, to our knowledge, been published in the literature as pathogenic or benign. In-silico splicing models are inconsistent; therefore, in the absence of RNA or functional studies, the actual effect of this variant is unknown. TSC2 c.3815-3C>T was not observed at a significant allele frequency in large population cohorts (Lek 2016). The cytosine (C) nucleotide that is altered is conserved across species. Based on currently available information, it is unclear whether TSC2 c.3815-3C>T is pathogenic or benign. We consider it to be a variant of uncertain significance.